The following is an entry in ClinVar:

ClinVar aggregate classification (germline): Pathogenic (1 of 4 stars; one submission).

Conditions:
Hereditary cancer-predisposing syndrome. Also called: Tumor predisposition; Hereditary Cancer Syndrome; Neoplastic Syndromes, Hereditary; Hereditary neoplastic syndrome. Identifiers: Orphanet 140162, MedGen C0027672, MeSH D009386, MONDO:0015356.

Submission:

Ambry Genetics
Classification: Pathogenic for Hereditary cancer-predisposing syndrome. Last evaluated: 2024-09-22. Review status: criteria provided, single submitter. Criteria: Ambry Variant Classification Scheme 2023. Collection method: clinical testing. Allele origin: germline.
Comment: The p.L1989* pathogenic mutation (also known as c.5966T>A), located in coding exon 39 of the ATM gene, results from a T to A substitution at nucleotide position 5966. This changes the amino acid from a leucine to a stop codon within coding exon 39. This alteration is expected to result in loss of function by premature protein truncation or nonsense-mediated mRNA decay. As such, this alteration is interpreted as a disease-causing mutation.

NM_000051.4(ATM):c.5966T>A (p.Leu1989Ter)

Genes: ATM (ATM serine/threonine kinase; plus strand), C11orf65 (chromosome 11 open reading frame 65; minus strand). Cytogenetic location: 11q22.3.
Variant type: single nucleotide variant.
Coding change: c.5966T>A on transcript NM_000051.4 (MANE Select); coding-DNA position 5966, T replaced by A.
Protein change: p.Leu1989Ter; replaces leucine 1989 with a stop codon.
Molecular consequence: nonsense. On other transcripts: intron variant (2).
Genome position (GRCh38, 1-based): chr11:108,312,458, T>A. VCF-style: chr11-108312458-T-A. GRCh37 (hg19) VCF-style: chr11-108183185-T-A.
Other names: c.5966T>A, p.Leu1989Ter (NM_001351834.2); c.641-3387A>T (NM_001330368.2); c.*39-3387A>T (NM_001351110.2); short protein forms L1989*.
Identifiers: ClinVar variation 3451369 (VCV003451369.1).
Genomic context (GRCh38, chr11:108,312,458, plus strand): 5'-TTGTGACAAACAGAAGTCTTGCATTTGAAGAAGGAAGCCAGAGTACAACTATTTCTAGCT[T>A]GAGTGAAAAAAGTAAAGAAGAAACTGGAATAAGTTTACAGGTAAATATTAGAGGCTCTAT-3'